The following is an entry in ClinVar:

ClinVar aggregate classification (germline): Uncertain significance (1 of 4 stars; one submission).

Conditions:
Autosomal recessive ataxia, Beauce type. Also called: SYNE1 Deficiency; Spinocerebellar ataxia, autosomal recessive 8; ATAXIA, RECESSIVE, OF BEAUCE; SYNE1-Related Autosomal Recessive Cerebellar Ataxia. Identifiers: Orphanet 88644, MedGen C1853116, MONDO:0012549, OMIM 610743.

Submission:

Victorian Clinical Genetics Services, Murdoch Childrens Research Institute
Classification: Uncertain significance for Autosomal recessive ataxia, Beauce type. Last evaluated: 2020-05-25. Review status: criteria provided, single submitter. Criteria: ACMG Guidelines, 2015. Collection method: clinical testing. Allele origin: germline.
Comment: A heterozygous missense variant was identified, NM_033071.3(SYNE1):c.19669G>A in exon 106 of 146 of the SYNE1 gene (NB: this variant is non-coding in alternative transcripts). This substitution is predicted to create a minor amino acid change from an aspartic acid to an asparagine at position 6557 of the protein; NP_149062.1(SYNE1):p.(Asp6557Asn). The aspartic acid at this position has low conservation (100 vertebrates, UCSC), and is located within the Smc super family region (NCBI). In silico software predictions of the pathogenicity of this variant are conflicting (PolyPhen2, SIFT, CADD, Mutation Taster). The variant is present in the gnomAD population database at a frequency of 0.0004% (1 heterozygote, 0 homozygotes) and the variant has not previously been reported in clinical cases. Based on information available at the time of curation, this variant has been classified as a VUS with LOW CLINICAL RELEVANCE.

NM_182961.4(SYNE1):c.19882G>A (p.Asp6628Asn)

Gene: SYNE1 (spectrin repeat containing nuclear envelope protein 1; minus strand). Cytogenetic location: 6q25.2.
Variant type: single nucleotide variant.
Coding change: c.19882G>A on transcript NM_182961.4 (MANE Select); coding-DNA position 19882, G replaced by A.
Protein change: p.Asp6628Asn; replaces aspartic acid 6628 with asparagine.
Molecular consequence: missense variant.
Genome position (GRCh38, 1-based): chr6:152,242,251, C>T on the plus strand (G>A on the coding strand, the complement: SYNE1 is on the minus strand). VCF-style: chr6-152242251-C-T. GRCh37 (hg19) VCF-style: chr6-152563386-C-T.
Other names: c.19669G>A, p.Asp6557Asn (NM_033071.5); short protein forms D6557N, D6628N.
Identifiers: ClinVar variation 3377365 (VCV003377365.1).